The following is an entry in ClinVar:

ClinVar aggregate classification (germline): Benign/Likely benign. Review status: criteria provided, multiple submitters, no conflicts (2 of 4 stars). 13 submissions from 12 submitters: Benign (7); Likely benign (3). 3 of the submissions do not count toward it. Last evaluated 2026-08-01.

Conditions:
Retinitis pigmentosa 39 (RP39). Identifiers: Orphanet 791, MedGen C3151138, MONDO:0013436, OMIM 613809.
Usher syndrome type 2A. Also called: RETINAL DISEASE IN USHER SYNDROME TYPE IIA, MODIFIER OF; USHER SYNDROME, TYPE IIA. Identifiers: Orphanet 231178, Orphanet 886, MedGen C1848634, MONDO:0010169, OMIM 276901.

Allele frequency attached by ClinVar (database versions not stated): gnomAD 0.00488 and 0.00480; 1000 Genomes Project 0.00140; TOPMed 0.00453; 1000 Genomes Project 30x 0.00109; ExAC 0.00411; ESP Exome Variant Server 0.00461.
gnomAD v4.1: 11,384 of 1,614,158 alleles (0.71%); highest among the groups gnomAD compares: Non-Finnish European, 0.89%; 50 homozygotes.

Submissions (13):

CeGaT Center for Human Genetics Tuebingen
Classification: Likely benign. Last evaluated: 2026-08-01. Review status: criteria provided, single submitter. Criteria: CeGaT Center For Human Genetics Tuebingen Variant Classification Criteria Version 2. Collection method: clinical testing. Allele origin: germline. Affected: yes. Observed: 22 variant alleles.
Comment: USH2A: BP4, BP7, BS2

Labcorp Genetics (formerly Invitae), Labcorp
Classification: Benign. Last evaluated: 2026-02-01. Review status: criteria provided, single submitter. Criteria: Invitae Variant Classification Sherloc (09022015). Collection method: clinical testing. Allele origin: germline.

Blueprint Genetics
Classification: Likely benign. Last evaluated: 2024-11-19. Review status: criteria provided, single submitter. Criteria: ACMG Guidelines, 2015. Collection method: clinical testing. Allele origin: germline.

Genome-Nilou Lab
Classification: Benign for Retinitis pigmentosa 39. Last evaluated: 2021-07-22. Review status: criteria provided, single submitter. Criteria: ACMG Guidelines, 2015. Collection method: clinical testing. Allele origin: germline. Affected: no.

Genome-Nilou Lab
Classification: Benign for Usher syndrome type 2A. Last evaluated: 2021-05-18. Review status: criteria provided, single submitter. Criteria: ACMG Guidelines, 2015. Collection method: clinical testing. Allele origin: germline. Affected: no.

ARUP Laboratories, Molecular Genetics and Genomics, ARUP Laboratories
Classification: Benign. Last evaluated: 2020-03-20. Review status: criteria provided, single submitter. Criteria: ARUP Molecular Germline Variant Investigation Process. Collection method: clinical testing. Allele origin: germline.

GeneDx
Classification: Benign. Last evaluated: 2015-03-03. Review status: criteria provided, single submitter. Criteria: GeneDx Variant Classification Process June 2021. Collection method: clinical testing. Allele origin: germline. Affected: yes.

Eurofins Ntd Llc (ga)
Classification: Benign. Last evaluated: 2013-10-16. Review status: criteria provided, single submitter. Criteria: EGL Classification Definitions 2015. Collection method: clinical testing. Allele origin: germline. Observed: 1 variant allele, 1 heterozygote.

Laboratory for Molecular Medicine, Mass General Brigham Personalized Medicine
Classification: Benign. Last evaluated: 2012-04-30. Review status: criteria provided, single submitter. Criteria: LMM Criteria. Collection method: clinical testing. Allele origin: germline. Observed: 25 variant alleles.
Comment: Arg4480Arg in exon 63 of USH2A: This variant is not expected to have clinical si gnificance because it does not alter an amino acid residue, is not located withi n the splice consensus sequence, has been identified in 0.7% (46/7020) of Europe an American chromosomes and 0.1% (5/3738) of African American chromosomes from a broad population by the NHLBI Exome sequencing project (n.edu/EVS/; dbSNP rs111033378), and it has been listed as benign in two publicat ions (Dreyer 2008, McGee 2010).

Breakthrough Genomics
Classification: Likely benign. Review status: criteria provided, single submitter. Criteria: ACMG Guidelines, 2015. Collection method: not provided. Allele origin: germline. Inheritance: Autosomal recessive inheritance. Affected: yes.

Natera, Inc.
Classification: Benign for Usher syndrome type 2A. Last evaluated: 2020-09-16. Review status: no assertion criteria provided. Collection method: clinical testing. Allele origin: germline. Not counted in ClinVar's aggregate classification.

Clinical Genetics DNA and cytogenetics Diagnostics Lab, Erasmus MC, Erasmus Medical Center
Classification: Likely benign. Review status: no assertion criteria provided. Collection method: clinical testing. Allele origin: germline. Affected: yes. Study: VKGL Data-share Consensus. Not counted in ClinVar's aggregate classification.

Joint Genome Diagnostic Labs from Nijmegen and Maastricht, Radboudumc and MUMC+
Classification: Benign. Review status: no assertion criteria provided. Collection method: clinical testing. Allele origin: germline. Affected: yes. Study: VKGL Data-share Consensus. Not counted in ClinVar's aggregate classification.

Literature cited by the submitters: PubMed 18273898 (cited by Laboratory for Molecular Medicine, Mass General Brigham Personalized Medicine); PubMed 20507924 (cited by Laboratory for Molecular Medicine, Mass General Brigham Personalized Medicine).

NM_206933.4(USH2A):c.13440G>A (p.Arg4480=)

Gene: USH2A (usherin; minus strand). Cytogenetic location: 1q41.
Variant type: single nucleotide variant.
Coding change: c.13440G>A on transcript NM_206933.4 (MANE Select); coding-DNA position 13440, G replaced by A.
Protein change: p.Arg4480=; no amino-acid change (arginine 4480 retained).
Molecular consequence: synonymous variant.
Genome position (GRCh38, 1-based): chr1:215,674,471, C>T on the plus strand (G>A on the coding strand, the complement: USH2A is on the minus strand). VCF-style: chr1-215674471-C-T. GRCh37 (hg19) VCF-style: chr1-215847813-C-T.
Identifiers: ClinVar variation 48419 (VCV000048419.76), dbSNP rs111033378, ClinGen allele CA143320.
Genomic context (GRCh38, chr1:215,674,471, plus strand): 5'-GGTGAGAGTAAAATCACGATAGCGTGTTTCCAAGCCTGTATATACAATGGTTCCATCCCT[C>T]CTAAGTTCATAACTTCTGATCTGGCCATTTGGGTTTCTTGGAGGTTTCCAGGTGATTTCT-3'
Protein context (NP_996816.3, residues 4470-4490): PNGQIRSYEL[Arg4480=]RDGTIVYTGL